The following is an entry in ClinVar:

NM_006904.7(PRKDC):c.3153G>C (p.Lys1051Asn)

Gene: PRKDC (protein kinase, DNA-activated, catalytic subunit; minus strand). Cytogenetic location: 8q11.21.
Variant type: single nucleotide variant.
Coding change: c.3153G>C on transcript NM_006904.7 (MANE Select); coding-DNA position 3153, G replaced by C.
Protein change: p.Lys1051Asn; replaces lysine 1051 with asparagine.
Molecular consequence: missense variant.
Genome position (GRCh38, 1-based): chr8:47,902,685, C>G on the plus strand (G>C on the coding strand, the complement: PRKDC is on the minus strand). VCF-style: chr8-47902685-C-G. GRCh37 (hg19) VCF-style: chr8-48815245-C-G.
Other names: c.3153G>C, p.Lys1051Asn (NM_001081640.2); short protein forms K1051N.
Identifiers: ClinVar variation 3310134 (VCV003310134.1).

ClinVar aggregate classification (germline): Uncertain significance (1 of 4 stars; one submission).

Submission:

Ambry Genetics
Classification: Uncertain significance. Last evaluated: 2024-04-29. Review status: criteria provided, single submitter. Criteria: Ambry Variant Classification Scheme 2023. Collection method: clinical testing. Allele origin: germline.
Comment: The p.K1051N variant (also known as c.3153G>C), located in coding exon 27 of the PRKDC gene, results from a G to C substitution at nucleotide position 3153. The lysine at codon 1051 is replaced by asparagine, an amino acid with similar properties. This amino acid position is conserved. In addition, this alteration is predicted to be tolerated by in silico analysis. Based on the available evidence, the clinical significance of this variant remains unclear.